The following is an entry in ClinVar:

NM_022482.5(GZF1):c.1027G>C (p.Ala343Pro)

Gene: GZF1 (GDNF inducible zinc finger protein 1; plus strand). Cytogenetic location: 20p11.21.
Variant type: single nucleotide variant.
Coding change: c.1027G>C on transcript NM_022482.5 (MANE Select); coding-DNA position 1027, G replaced by C.
Protein change: p.Ala343Pro; replaces alanine 343 with proline.
Molecular consequence: missense variant.
Genome position (GRCh38, 1-based): chr20:23,365,410, G>C. VCF-style: chr20-23365410-G-C. GRCh37 (hg19) VCF-style: chr20-23346047-G-C.
Other names: c.1027G>C, p.Ala343Pro (NM_001317012.2, NM_001317019.1); c.1027G>C (NM_022482.3); short protein forms A343P.
Identifiers: ClinVar variation 1932554 (VCV001932554.7), dbSNP rs920660390, ClinGen allele CA313541705.

ClinVar aggregate classification (germline): Uncertain significance. Review status: criteria provided, multiple submitters, no conflicts (2 of 4 stars). 2 submissions from 2 submitters: Uncertain significance (2). Last evaluated 2023-01-10.

Conditions:
Inborn genetic diseases. Identifiers: MedGen C0950123, MeSH D030342.

Allele frequency attached by ClinVar (database versions not stated): gnomAD 0.00001; gnomAD exomes 0.00001; TOPMed 0.00001.

Submissions (2):

Ambry Genetics
Classification: Uncertain significance for Inborn genetic diseases. Last evaluated: 2023-01-10. Review status: criteria provided, single submitter. Criteria: Ambry Variant Classification Scheme 2023. Collection method: clinical testing. Allele origin: germline.

Labcorp Genetics (formerly Invitae), Labcorp
Classification: Uncertain significance. Last evaluated: 2021-12-30. Review status: criteria provided, single submitter. Criteria: Invitae Variant Classification Sherloc (09022015). Collection method: clinical testing. Allele origin: germline.
Comment: This sequence change replaces alanine, which is neutral and non-polar, with proline, which is neutral and non-polar, at codon 343 of the GZF1 protein (p.Ala343Pro). This variant is present in population databases (no rsID available, gnomAD 0.01%). This variant has not been reported in the literature in individuals affected with GZF1-related conditions. Algorithms developed to predict the effect of missense changes on protein structure and function are either unavailable or do not agree on the potential impact of this missense change (SIFT: "Not Available"; PolyPhen-2: "Benign"; Align-GVGD: "Not Available"). In summary, the available evidence is currently insufficient to determine the role of this variant in disease. Therefore, it has been classified as a Variant of Uncertain Significance.